The following is an entry in ClinVar:

ClinVar aggregate classification (germline): Likely benign (1 of 4 stars; one submission).

Allele frequency attached by ClinVar (database versions not stated): 1000 Genomes Project 0.00140; 1000 Genomes Project 30x 0.00172; ExAC 0.00267; gnomAD exomes 0.00443; TOPMed 0.00508.

Submission:

CeGaT Center for Human Genetics Tuebingen
Classification: Likely benign. Last evaluated: 2023-05-01. Review status: criteria provided, single submitter. Criteria: CeGaT Center For Human Genetics Tuebingen Variant Classification Criteria Version 2. Collection method: clinical testing. Allele origin: germline. Affected: yes. Observed: 1 variant allele.
Comment: PTPRQ: BS2

NC_000012.12:g.80436384T>C

Gene: PTPRQ (protein tyrosine phosphatase receptor type Q; plus strand). Cytogenetic location: 12q21.31.
Variant type: single nucleotide variant.
Genome position: GRCh38 VCF-style: chr12-80436384-T-C. GRCh37 (hg19) VCF-style: chr12-80830164-T-C.
Identifiers: ClinVar variation 2570840 (VCV002570840.27), dbSNP rs188234804, ClinGen allele CA6702271.